The following is an entry in ClinVar:

ClinVar aggregate classification (germline): Uncertain significance (1 of 4 stars; one submission).

Allele frequency attached by ClinVar (database versions not stated): gnomAD exomes below 0.00001.
gnomAD v4.1: 2 of 1,613,980 alleles (0.00012%); highest among the groups gnomAD compares: South Asian, 0.0022%; no homozygotes.

Submission:

Labcorp Genetics (formerly Invitae), Labcorp
Classification: Uncertain significance. Last evaluated: 2023-10-09. Review status: criteria provided, single submitter. Criteria: Invitae Variant Classification Sherloc (09022015). Collection method: clinical testing. Allele origin: germline.
Comment: This sequence change replaces glutamine, which is neutral and polar, with arginine, which is basic and polar, at codon 1194 of the POLE protein (p.Gln1194Arg). This variant is present in population databases (no rsID available, gnomAD 0.003%). This variant has not been reported in the literature in individuals affected with POLE-related conditions. An algorithm developed to predict the effect of missense changes on protein structure and function (PolyPhen-2) suggests that this variant is likely to be tolerated. Algorithms developed to predict the effect of sequence changes on RNA splicing suggest that this variant may disrupt the consensus splice site. In summary, the available evidence is currently insufficient to determine the role of this variant in disease. Therefore, it has been classified as a Variant of Uncertain Significance.

NM_006231.4(POLE):c.3581A>G (p.Gln1194Arg)

Gene: POLE (DNA polymerase epsilon, catalytic subunit; minus strand). Cytogenetic location: 12q24.33.
Variant type: single nucleotide variant.
Coding change: c.3581A>G on transcript NM_006231.4 (MANE Select); coding-DNA position 3581, A replaced by G.
Protein change: p.Gln1194Arg; replaces glutamine 1194 with arginine.
Molecular consequence: missense variant.
Genome position (GRCh38, 1-based): chr12:132,657,137, T>C on the plus strand (A>G on the coding strand, the complement: POLE is on the minus strand). VCF-style: chr12-132657137-T-C. GRCh37 (hg19) VCF-style: chr12-133233723-T-C.
Other names: short protein forms Q1194R.
Identifiers: ClinVar variation 2767133 (VCV002767133.3), dbSNP rs1165725258, ClinGen allele CA387388281.